The following is an entry in ClinVar:

ClinVar aggregate classification (germline): Likely benign (1 of 4 stars; one submission).

gnomAD v4.1: 111 of 1,611,712 alleles (0.0069%); highest among the groups gnomAD compares: East Asian, 0.0089%; 1 homozygote.

Submission:

Women's Health and Genetics/Laboratory Corporation of America, LabCorp
Classification: Likely benign. Last evaluated: 2025-06-10. Review status: criteria provided, single submitter. Criteria: LabCorp Variant Classification Summary - May 2015. Collection method: clinical testing. Allele origin: germline.
Comment: Variant summary: TNC c.5921T>C (p.Ile1974Thr) results in a non-conservative amino acid change located in the last fibronectin type III repeat domain (IPR003961) of the encoded protein sequence. Algorithms developed to predict the effect of missense changes on protein structure and function are either unavailable or do not agree on the potential impact of this missense change. The variant affects the first nucleotide of exon 24 and therefore might affect splicing. Consensus agreement among computation tools predicts no significant impact on normal splicing. However, these predictions have yet to be confirmed by functional studies. The variant allele was found at a frequency of 6.9e-05 in 1604750 control chromosomes (i.e. 111 alleles), predominantly at a frequency of 8.7e-05 within the Non-Finnish European subpopulation in the gnomAD database, including 1 homozygote. The occurrence in numerous controls suggests that this variant is likely not associated with a high penetrance, severe, early onset disease phenotype in heterozygous state. To our knowledge, no occurrence of c.5921T>C in individuals affected with Deafness, Autosomal Dominant 56 and no experimental evidence demonstrating its impact on protein function have been reported. No submitters have cited clinical-significance assessments for this variant to ClinVar. Based on the evidence outlined above, the variant was classified as likely benign.

NM_002160.4(TNC):c.5921T>C (p.Ile1974Thr)

Gene: TNC (tenascin C; minus strand). Cytogenetic location: 9q33.1.
Variant type: single nucleotide variant.
Coding change: c.5921T>C on transcript NM_002160.4 (MANE Select); coding-DNA position 5921, T replaced by C.
Protein change: p.Ile1974Thr; replaces isoleucine 1974 with threonine.
Molecular consequence: missense variant.
Genome position (GRCh38, 1-based): chr9:115,030,405, A>G on the plus strand (T>C on the coding strand, the complement: TNC is on the minus strand). VCF-style: chr9-115030405-A-G. GRCh37 (hg19) VCF-style: chr9-117792684-A-G.
Other names: c.5375T>C, p.Ile1792Thr (NM_001410991.1); short protein forms I1792T, I1974T.
Identifiers: ClinVar variation 3907257 (VCV003907257.1).